The following is an entry in ClinVar:

NM_001927.4(DES):c.249C>A (p.Tyr83Ter)

Gene: DES (desmin; plus strand). Cytogenetic location: 2q35.
Variant type: single nucleotide variant.
Coding change: c.249C>A on transcript NM_001927.4 (MANE Select); coding-DNA position 249, C replaced by A.
Protein change: p.Tyr83Ter; replaces tyrosine 83 with a stop codon.
Molecular consequence: nonsense.
Genome position (GRCh38, 1-based): chr2:219,418,711, C>A. VCF-style: chr2-219418711-C-A. GRCh37 (hg19) VCF-style: chr2-220283433-C-A.
Other names: c.249C>A, p.Tyr83Ter (NM_001382708.1, NM_001382709.1, NM_001382710.1 and 3 more transcripts); short protein forms Y83*.
Identifiers: ClinVar variation 2937905 (VCV002937905.3), dbSNP rs2125166116, ClinGen allele CA350684471.
Genomic context (GRCh38, chr2:219,418,711, plus strand): 5'-CGGGGGCCTGGGGTCGCTGCGGGCCAGCCGGCTGGGGACCACCCGCACGCCCTCCTCCTA[C>A]GGCGCAGGCGAGCTGCTGGACTTCTCACTGGCCGACGCGGTGAACCAGGAGTTTCTGACC-3'

ClinVar aggregate classification (germline): Pathogenic (1 of 4 stars; one submission).

Conditions:
Desmin-related myofibrillar myopathy (MFM1). Also called: Desminopathy; Desmin related myopathy (former name); Desmin storage myopathy (former name); MYOFIBRILLAR MYOPATHY WITH ARRHYTHMOGENIC RIGHT VENTRICULAR CARDIOMYOPATHY; DESMIN-RELATED MYOPATHY WITH ARRHYTHMOGENIC RIGHT VENTRICULAR CARDIOMYOPATHY; Myofibrillar myopathy 1. Identifiers: Orphanet 363543, Orphanet 98909, MedGen C1832370, MONDO:0011076, OMIM 601419.

Submission:

Labcorp Genetics (formerly Invitae), Labcorp
Classification: Pathogenic for Desmin-related myofibrillar myopathy. Last evaluated: 2023-03-10. Review status: criteria provided, single submitter. Criteria: Invitae Variant Classification Sherloc (09022015). Collection method: clinical testing. Allele origin: germline.
Comment: This variant is not present in population databases (gnomAD no frequency). For these reasons, this variant has been classified as Pathogenic. This variant has not been reported in the literature in individuals affected with DES-related conditions. This sequence change creates a premature translational stop signal (p.Tyr83*) in the DES gene. It is expected to result in an absent or disrupted protein product. Loss-of-function variants in DES are known to be pathogenic (PMID: 23575897).

Literature cited by the submitters: PubMed 23575897.